The following is an entry in ClinVar:

NM_033517.1:c.3343C>T

Gene: SHANK3 (SH3 and multiple ankyrin repeat domains 3; plus strand).
Variant type: single nucleotide variant.
Other names: c.3343C>T (NM_033517.1).
Identifiers: ClinVar variation 4686184 (VCV004686184.1).

ClinVar aggregate classification (germline): Pathogenic (1 of 4 stars; one submission).

Submission:

GeneDx
Classification: Pathogenic. Last evaluated: 2025-07-15. Review status: criteria provided, single submitter. Criteria: GeneDx Variant Classification Process June 2021. Collection method: clinical testing. Allele origin: germline. Affected: yes.
Comment: Nonsense variant predicted to result in protein truncation or nonsense mediated decay in a gene for which loss of function is a known mechanism of disease; Not observed at significant frequency in large population cohorts (gnomAD); Has not been previously published as pathogenic or benign to our knowledge